The following is an entry in ClinVar:

NM_001199862.2(KCNAB2):c.375C>T (p.Ala125=)

Gene: KCNAB2 (potassium voltage-gated channel subfamily A regulatory beta subunit 2; plus strand). Cytogenetic location: 1p36.31.
Variant type: single nucleotide variant.
Coding change: c.375C>T on transcript NM_001199862.2 (MANE Select); coding-DNA position 375, C replaced by T.
Protein change: p.Ala125=; no amino-acid change (alanine 125 retained).
Molecular consequence: synonymous variant.
Genome position (GRCh38, 1-based): chr1:6,082,269, C>T. VCF-style: chr1-6082269-C-T. GRCh37 (hg19) VCF-style: chr1-6142329-C-T.
Other names: c.276C>T, p.Ala92= (NM_001199860.2, NM_001199861.2, NM_003636.4); c.75C>T, p.Ala25= (NM_001199863.2); c.234C>T, p.Ala78= (NM_172130.3).
Identifiers: ClinVar variation 3037137 (VCV003037137.2), dbSNP rs2229004, ClinGen allele CA555159.
Genomic context (GRCh38, chr1:6,082,269, plus strand): 5'-CATGACCTTGGCCTATGATAATGGCATCAACCTCTTCGATACAGCAGAAGTCTACGCAGC[C>T]GGCAAGTACGTGTCTTTTCACACGGGAAAAAGTGGTTCAGAATGCCTGGGCAGAGCCGGA-3'
Protein context (NP_001186791.1, residues 115-135): NLFDTAEVYA[Ala125=]GKAEVVLGNI

ClinVar aggregate classification (germline): Benign (0 of 4 stars; one submission).

Conditions:
KCNAB2-related disorder. Also called: KCNAB2-related condition.

Allele frequency attached by ClinVar (database versions not stated): gnomAD exomes 0.00361; ExAC 0.01254; gnomAD 0.03724; 1000 Genomes Project 0.03994; TOPMed 0.04083; ESP Exome Variant Server 0.04260; 1000 Genomes Project 30x 0.04279.
gnomAD v4.1: 11,215 of 1,612,438 alleles (0.7%); highest among the groups gnomAD compares: African/African-American, 12%; 622 homozygotes.

Submission:

PreventionGenetics, part of Exact Sciences
Classification: Benign for KCNAB2-related condition. Last evaluated: 2019-09-25. Review status: no assertion criteria provided. Collection method: clinical testing. Allele origin: germline.
Comment: This variant is classified as benign based on ACMG/AMP sequence variant interpretation guidelines (Richards et al. 2015 PMID: 25741868, with internal and published modifications).